The following is an entry in ClinVar:

NM_001267550.2(TTN):c.53185C>T (p.Leu17729=)

Genes: TTN (titin; minus strand), TTN-AS1 (TTN antisense RNA 1; plus strand), LOC126806425 (BRD4-independent group 4 enhancer GRCh37_chr2:179471933-179473132; plus strand). Cytogenetic location: 2q31.2.
Variant type: single nucleotide variant.
Coding change: c.53185C>T on transcript NM_001267550.2 (MANE Select); coding-DNA position 53185, C replaced by T.
Protein change: p.Leu17729=; no amino-acid change (leucine 17729 retained).
Molecular consequence: synonymous variant.
Genome position (GRCh38, 1-based): chr2:178,607,503, G>A on the plus strand (C>T on the coding strand, the complement: TTN is on the minus strand). VCF-style: chr2-178607503-G-A. GRCh37 (hg19) VCF-style: chr2-179472230-G-A.
Other names: c.48262C>T, p.Leu16088= (NM_001256850.1); c.25990C>T, p.Leu8664= (NM_003319.4); c.45481C>T, p.Leu15161= (NM_133378.4); c.26365C>T, p.Leu8789= (NM_133432.3); c.26566C>T, p.Leu8856= (NM_133437.4).
Identifiers: ClinVar variation 286204 (VCV000286204.23), dbSNP rs767559716, ClinGen allele CA1993845.

ClinVar aggregate classification (germline): Conflicting classifications of pathogenicity. Review status: criteria provided, conflicting classifications (1 of 4 stars). 5 submissions from 5 submitters: Uncertain significance (1); Likely benign (4). Last evaluated 2026-02-01.

Conditions:
Cardiovascular phenotype. Identifiers: MedGen CN230736.
Autosomal recessive limb-girdle muscular dystrophy type 2J (LGMDR10). Also called: MUSCULAR DYSTROPHY, LIMB-GIRDLE, AUTOSOMAL RECESSIVE 10; Limb-girdle muscular dystrophy, type 2J. Identifiers: Orphanet 140922, MedGen C1837342, MONDO:0012127, OMIM 608807.
Dilated cardiomyopathy 1G (CMD1G). Identifiers: Orphanet 154, MedGen C1858763, MONDO:0011400, OMIM 604145.

Allele frequency attached by ClinVar (database versions not stated): ExAC 0.00001; TOPMed 0.00001.
gnomAD v4.1: 3 of 1,613,204 alleles (0.00019%); highest among the groups gnomAD compares: Non-Finnish European, 0.00025%; no homozygotes.

Submissions (5):

CeGaT Center for Human Genetics Tuebingen
Classification: Likely benign. Last evaluated: 2026-02-01. Review status: criteria provided, single submitter. Criteria: CeGaT Center For Human Genetics Tuebingen Variant Classification Criteria Version 2. Collection method: clinical testing. Allele origin: germline. Affected: yes. Observed: 1 variant allele.
Comment: TTN: BP4, BP7

Labcorp Genetics (formerly Invitae), Labcorp
Classification: Likely benign for Dilated cardiomyopathy 1G; Autosomal recessive limb-girdle muscular dystrophy type 2J. Last evaluated: 2025-11-18. Review status: criteria provided, single submitter. Criteria: Invitae Variant Classification Sherloc (09022015). Collection method: clinical testing. Allele origin: germline.

Women's Health and Genetics/Laboratory Corporation of America, LabCorp
Classification: Likely benign. Last evaluated: 2025-01-27. Review status: criteria provided, single submitter. Criteria: LabCorp Variant Classification Summary - May 2015. Collection method: clinical testing. Allele origin: germline.

Ambry Genetics
Classification: Likely benign for Cardiovascular phenotype. Last evaluated: 2023-10-12. Review status: criteria provided, single submitter. Criteria: Ambry Variant Classification Scheme 2023. Collection method: clinical testing. Allele origin: germline.

Eurofins Ntd Llc (ga)
Classification: Uncertain significance. Last evaluated: 2016-02-23. Review status: criteria provided, single submitter. Criteria: EGL Classification Definitions 2015. Collection method: clinical testing. Allele origin: germline. Observed: 1 variant allele, 1 heterozygote.